The following is an entry in ClinVar:

NM_001197104.2(KMT2A):c.7201G>A (p.Glu2401Lys)

Gene: KMT2A (lysine methyltransferase 2A; plus strand). Cytogenetic location: 11q23.3.
Variant type: single nucleotide variant.
Coding change: c.7201G>A on transcript NM_001197104.2 (MANE Select); coding-DNA position 7201, G replaced by A.
Protein change: p.Glu2401Lys; replaces glutamic acid 2401 with lysine.
Molecular consequence: missense variant.
Genome position (GRCh38, 1-based): chr11:118,503,093, G>A. VCF-style: chr11-118503093-G-A. GRCh37 (hg19) VCF-style: chr11-118373808-G-A.
Other names: c.7291G>A, p.Glu2431Lys (NM_001412597.1); c.7192G>A, p.Glu2398Lys (NM_005933.4); short protein forms E2401K, E2431K, E2398K.
Identifiers: ClinVar variation 4774447 (VCV004774447.1).

ClinVar aggregate classification (germline): Uncertain significance (1 of 4 stars; one submission).

Submission:

Labcorp Genetics (formerly Invitae), Labcorp
Classification: Uncertain significance. Last evaluated: 2025-02-20. Review status: criteria provided, single submitter. Criteria: Invitae Variant Classification Sherloc (09022015). Collection method: clinical testing. Allele origin: germline.
Comment: This sequence change replaces glutamic acid, which is acidic and polar, with lysine, which is basic and polar, at codon 2401 of the KMT2A protein (p.Glu2401Lys). This variant is not present in population databases (gnomAD no frequency). This variant has not been reported in the literature in individuals affected with KMT2A-related conditions. Invitae Evidence Modeling of protein sequence and biophysical properties (such as structural, functional, and spatial information, amino acid conservation, physicochemical variation, residue mobility, and thermodynamic stability) indicates that this missense variant is not expected to disrupt KMT2A protein function with a negative predictive value of 95%. In summary, the available evidence is currently insufficient to determine the role of this variant in disease. Therefore, it has been classified as a Variant of Uncertain Significance.